The following is an entry in ClinVar:

ClinVar aggregate classification (germline): Likely pathogenic. Review status: reviewed by expert panel (3 of 4 stars). 3 submissions from 3 submitters: Likely pathogenic (1). 2 of the submissions do not count toward it. Last evaluated 2025-06-10.

Conditions:
Anauxetic dysplasia. Identifiers: Orphanet 93347, MedGen C1846796, MONDO:0011773.
Metaphyseal chondrodysplasia, McKusick type (CHH). Also called: Cartilage-Hair Hypoplasia (CHH); Cartilage-hair hypoplasia. Identifiers: Orphanet 175, MedGen C0220748, MONDO:0009595, OMIM 250250.

Allele frequency attached by ClinVar (database versions not stated): gnomAD 0.00001; gnomAD exomes 0.00001 and 0.00002; TOPMed 0.00001.
gnomAD v4.1: 13 of 697,820 alleles (0.0019%); highest among the groups gnomAD compares: South Asian, 0.003%; no homozygotes.

Submissions (3):

ClinGen Severe Combined Immunodeficiency Variant Curation Expert Panel, ClinGen
Classification: Likely pathogenic for Metaphyseal chondrodysplasia, McKusick type. Last evaluated: 2025-06-10. Review status: reviewed by expert panel. Criteria: ClinGen SCID ACMG Specifications RMRP V1.0.0. Collection method: curation. Allele origin: germline. Inheritance: Autosomal recessive inheritance.
Comment: The NC_000009.12:g.35657788G>A variant is present in a frequency of 0.000006567 Grpmax filtering AF with only 1 allele in 152284, which is below the PM2_Supporting threshold that the SCID VCEP has established. Therefore PM2_Supporting is met. At least one patient (PMID: 21146796) presented with metaphyseal dysplasia (+1.0 points), T cell lymphopenia (+0.5 points), hypotrichosis (+0.5 points), and microcytic anemia (+0.25 points) reaching a total of 2.25 points. Therefore PP4_Moderate is met. This variant has been found in trans with the variants (g.−26 to −13 dupTACTACTCTGTGAA located in the promoter region (+0.5 points) (PMID: 21146796), n.211C>G/n.212C>G (PMID: 12107819, +0.25 points), and [Internal communication - Invitae/Labcorp]: n.-15_-8dup (+0.25 points), n.71A>G (+1.0 points), n.5_6ins27 (+0.25 points), and n.-19_-13dup in two probands (+0.25 points each), reaching a total of 2.75 points. Therefore PM3_Strong is met. In summary, this variant is classified as Likely Pathogenic for Autosomal Recessive Cartilage Hair Hypoplasia based on the ACMG/AMP criteria applied, as specified by the ClinGen SCID VCEP: PM2_Supporting, PP4_Moderate, PM3_Strong, (SCID VCEP specifications version 1).

Labcorp Genetics (formerly Invitae), Labcorp
Classification: Pathogenic for Anauxetic dysplasia. Last evaluated: 2026-01-05. Review status: criteria provided, single submitter. Criteria: Invitae Variant Classification Sherloc (09022015). Collection method: clinical testing. Allele origin: germline. Not counted in ClinVar's aggregate classification.
Comment: This variant occurs in the RMRP gene, which encodes an RNA molecule that does not result in a protein product. This variant is present in population databases (rs762145032, gnomAD 0.004%). This variant has been observed in individual(s) with cartilage-hair hypoplasia (PMID: 12107819, 21146796; internal data). In at least one individual the data is consistent with being in trans (on the opposite chromosome) from a pathogenic variant. This variant is also known as 230T and 230C>T. ClinVar contains an entry for this variant (Variation ID: 639569). For these reasons, this variant has been classified as Pathogenic.

3billion
Classification: Uncertain significance for Metaphyseal chondrodysplasia, McKusick type. Last evaluated: 2022-03-22. Review status: criteria provided, single submitter. Criteria: ACMG Guidelines, 2015. Collection method: clinical testing. Allele origin: germline. Affected: yes. Observed: 1 heterozygote. Not counted in ClinVar's aggregate classification.
Comment: This variant has been reported as likely pathogenic (ClinVar ID: VCV000639569), although there was no evidence from an independent evaluation at the laboratory level. ClinVar ID: VCV000639569). The variant is observed at an extremely low frequency in the gnomAD v2.1.1 dataset (total allele frequency: 0.0000154). Therefore, this variant is classified as uncertain significance according to the recommendation of ACMG/AMP guideline.

Literature cited by the submitters: PubMed 12107819 (cited by Labcorp Genetics (formerly Invitae), Labcorp); PubMed 21146796 (cited by Labcorp Genetics (formerly Invitae), Labcorp).

NR_003051.4(RMRP):n.232C>T

Gene: RMRP (RNA component of mitochondrial RNA processing endoribonuclease; minus strand). Cytogenetic location: 9p13.3.
Variant type: single nucleotide variant.
Genome position: GRCh38 VCF-style: chr9-35657788-G-A. GRCh37 (hg19) VCF-style: chr9-35657785-G-A.
Identifiers: ClinVar variation 639569 (VCV000639569.11), dbSNP rs762145032, ClinGen allele CA192745556.